The following is an entry in ClinVar:

NM_005045.4(RELN):c.5476G>A (p.Gly1826Arg)

Gene: RELN (reelin; minus strand). Cytogenetic location: 7q22.1.
Variant type: single nucleotide variant.
Coding change: c.5476G>A on transcript NM_005045.4 (MANE Select); coding-DNA position 5476, G replaced by A.
Protein change: p.Gly1826Arg; replaces glycine 1826 with arginine.
Molecular consequence: missense variant.
Genome position (GRCh38, 1-based): chr7:103,561,585, C>T on the plus strand (G>A on the coding strand, the complement: RELN is on the minus strand). VCF-style: chr7-103561585-C-T. GRCh37 (hg19) VCF-style: chr7-103202032-C-T.
Other names: c.5476G>A, p.Gly1826Arg (NM_173054.3); short protein forms G1826R.
Identifiers: ClinVar variation 1042633 (VCV001042633.9), dbSNP rs1830642360, ClinGen allele CA368743586.
Genomic context (GRCh38, chr7:103,561,585, plus strand): 5'-ATCTGACCCCTTTAAAAATTAGAGATGTTCCAGATTTGATGGTTTCACCATTCAGATTCC[C>T]CCTCTCTGCACCATACACTTCAGGCCAAAGGTCAGGATGTAAATTCCCATTGAAATCGTC-3'
Protein context (NP_005036.2, residues 1816-1836): LWPEVYGAER[Gly1826Arg]NLNGETIKSG

ClinVar aggregate classification (germline): Uncertain significance (1 of 4 stars; one submission).

Conditions:
Norman-Roberts syndrome (LIS2). Also called: Lissencephaly 2 (Norman-Roberts type). Identifiers: Orphanet 89844, MedGen C0796089, MONDO:0009760, OMIM 257320.
Familial temporal lobe epilepsy 7. Identifiers: Orphanet 101046, MedGen C4225327, MONDO:0014639, OMIM 616436.

Allele frequency attached by ClinVar (database versions not stated): gnomAD exomes below 0.00001.
gnomAD v4.1: 2 of 1,613,842 alleles (0.00012%); highest among the groups gnomAD compares: South Asian, 0.0011%; no homozygotes.

Submission:

Labcorp Genetics (formerly Invitae), Labcorp
Classification: Uncertain significance for Familial temporal lobe epilepsy 7; Norman-Roberts syndrome. Last evaluated: 2020-01-29. Review status: criteria provided, single submitter. Criteria: Invitae Variant Classification Sherloc (09022015). Collection method: clinical testing. Allele origin: germline.
Comment: Algorithms developed to predict the effect of missense changes on protein structure and function are either unavailable or do not agree on the potential impact of this missense change (SIFT: "Deleterious"; PolyPhen-2: "Probably Damaging"; Align-GVGD: "Class C15"). In summary, the available evidence is currently insufficient to determine the role of this variant in disease. Therefore, it has been classified as a Variant of Uncertain Significance. This variant has not been reported in the literature in individuals with RELN-related conditions. This variant is not present in population databases (ExAC no frequency). This sequence change replaces glycine with arginine at codon 1826 of the RELN protein (p.Gly1826Arg). The glycine residue is highly conserved and there is a moderate physicochemical difference between glycine and arginine.